The following is an entry in ClinVar:

NM_001281740.3(FHOD3):c.796A>G (p.Met266Val)

Gene: FHOD3 (formin homology 2 domain containing 3; plus strand). Cytogenetic location: 18q12.2.
Variant type: single nucleotide variant.
Coding change: c.796A>G on transcript NM_001281740.3 (MANE Select); coding-DNA position 796, A replaced by G.
Protein change: p.Met266Val; replaces methionine 266 with valine.
Molecular consequence: missense variant.
Genome position (GRCh38, 1-based): chr18:36,602,751, A>G. VCF-style: chr18-36602751-A-G. GRCh37 (hg19) VCF-style: chr18-34182714-A-G.
Other names: c.796A>G, p.Met266Val (NM_001281739.3, NM_025135.5); short protein forms M266V.
Identifiers: ClinVar variation 4999878 (VCV004999878.1).

ClinVar aggregate classification (germline): Uncertain significance (1 of 4 stars; one submission).

Conditions:
FHOD3-related disorder. Also called: FHOD3-related condition.

gnomAD v4.1: 6 of 1,614,084 alleles (0.00037%); highest among the groups gnomAD compares: East Asian, 0.0022%; no homozygotes.

Submission:

PreventionGenetics, part of Exact Sciences
Classification: Uncertain significance for FHOD3-related condition. Last evaluated: 2026-09-08. Review status: criteria provided, single submitter. Criteria: ACMG Guidelines, 2015. Collection method: clinical testing. Allele origin: germline.
Comment: The FHOD3 c.796A>G variant is predicted to result in the amino acid substitution p.Met266Val. To our knowledge, this variant has not been reported in the literature in individuals with FHOD3-related disorder. This variant is reported in 0.0033% of alleles in individuals of South Asian descent in gnomAD. At this time, the clinical significance of this variant is uncertain due to the absence of conclusive functional and genetic evidence.